The following is an entry in ClinVar:

ClinVar aggregate classification (germline): Uncertain significance (1 of 4 stars; one submission).

Conditions:
Encephalopathy, acute, infection-induced (herpes-specific), susceptibility to, 1. Also called: Herpes simplex encephalitis, susceptibility to, 1. Identifiers: Orphanet 1930, MedGen C2750180, MONDO:0024563, OMIM 610551.

Allele frequency attached by ClinVar (database versions not stated): gnomAD exomes 0.00001 and 0.00002; ExAC 0.00001.
gnomAD v4.1: 34 of 1,613,224 alleles (0.0021%); highest among the groups gnomAD compares: Non-Finnish European, 0.0027%; no homozygotes.

Submission:

Labcorp Genetics (formerly Invitae), Labcorp
Classification: Uncertain significance for Encephalopathy, acute, infection-induced (herpes-specific), susceptibility to, 1. Last evaluated: 2021-08-09. Review status: criteria provided, single submitter. Criteria: Invitae Variant Classification Sherloc (09022015). Collection method: clinical testing. Allele origin: germline.
Comment: This sequence change replaces glutamic acid with lysine at codon 92 of the UNC93B1 protein (p.Glu92Lys). The glutamic acid residue is weakly conserved and there is a small physicochemical difference between glutamic acid and lysine. This variant is present in population databases (rs764888883, ExAC 0.009%). This variant has not been reported in the literature in individuals with UNC93B1-related conditions. Algorithms developed to predict the effect of missense changes on protein structure and function are either unavailable or do not agree on the potential impact of this missense change (SIFT: "Tolerated"; PolyPhen-2: "Not Available"; Align-GVGD: "Class C0"). In summary, the available evidence is currently insufficient to determine the role of this variant in disease. Therefore, it has been classified as a Variant of Uncertain Significance.

NM_030930.4(UNC93B1):c.274G>A (p.Glu92Lys)

Genes: UNC93B1 (unc-93B1 regulator of TLR signaling; minus strand), LOC130006234 (ATAC-STARR-seq lymphoblastoid active region 5128; plus strand). Cytogenetic location: 11q13.2.
Variant type: single nucleotide variant.
Coding change: c.274G>A on transcript NM_030930.4 (MANE Select); coding-DNA position 274, G replaced by A.
Protein change: p.Glu92Lys; replaces glutamic acid 92 with lysine.
Molecular consequence: missense variant.
Genome position (GRCh38, 1-based): chr11:68,003,140, C>T on the plus strand (G>A on the coding strand, the complement: UNC93B1 is on the minus strand). VCF-style: chr11-68003140-C-T. GRCh37 (hg19) VCF-style: chr11-67770610-C-T.
Other names: short protein forms E92K.
Identifiers: ClinVar variation 1060974 (VCV001060974.7), dbSNP rs764888883, ClinGen allele CA6145693.